The following is an entry in ClinVar:

NM_017514.5(PLXNA3):c.203C>T (p.Thr68Met)

Gene: PLXNA3 (plexin A3; plus strand). Cytogenetic location: Xq28.
Variant type: single nucleotide variant.
Coding change: c.203C>T on transcript NM_017514.5 (MANE Select); coding-DNA position 203, C replaced by T.
Protein change: p.Thr68Met; replaces threonine 68 with methionine.
Molecular consequence: missense variant.
Genome position (GRCh38, 1-based): chrX:154,460,386, C>T. VCF-style: chrX-154460386-C-T. GRCh37 (hg19) VCF-style: chrX-153688726-C-T.
Other names: c.203C>T (NM_017514.3); short protein forms T68M.
Identifiers: ClinVar variation 3358548 (VCV003358548.2).

ClinVar aggregate classification (germline): Uncertain significance. Review status: criteria provided, single submitter (1 of 4 stars). 2 submissions from 2 submitters: Uncertain significance (1). 1 of the submissions does not count toward it. Last evaluated 2025-03-18.

Conditions:
PLXNA3-related disorder. Also called: PLXNA3-related condition.

gnomAD v4.1: 110 of 1,205,651 alleles (0.0091%); highest among the groups gnomAD compares: South Asian, 0.027%; 1 homozygote.

Submissions (2):

Ambry Genetics
Classification: Uncertain significance. Last evaluated: 2025-03-18. Review status: criteria provided, single submitter. Criteria: Ambry Variant Classification Scheme 2023. Collection method: clinical testing. Allele origin: germline.

PreventionGenetics, part of Exact Sciences
Classification: Uncertain significance for PLXNA3-related condition. Last evaluated: 2024-01-01. Review status: no assertion criteria provided. Collection method: clinical testing. Allele origin: germline. Not counted in ClinVar's aggregate classification.
Comment: The PLXNA3 c.203C>T variant is predicted to result in the amino acid substitution p.Thr68Met. To our knowledge, this variant has not been reported in the literature. This variant is reported in 0.033% of alleles in individuals of South Asian descent in gnomAD and has been reported in seven hemizygous individuals in the gnomAd database, which may be too common to be causative of disease. While this variant may be benign, at this time, the clinical significance of this variant is uncertain due to the absence of conclusive functional and genetic evidence.